The following is an entry in ClinVar:

NM_000535.7(PMS2):c.2290A>C (p.Arg764=)

Gene: PMS2 (PMS1 homolog 2, mismatch repair system component; minus strand). Cytogenetic location: 7p22.1.
Variant type: single nucleotide variant.
Coding change: c.2290A>C on transcript NM_000535.7 (MANE Select); coding-DNA position 2290, A replaced by C.
Protein change: p.Arg764=; no amino-acid change (arginine 764 retained).
Molecular consequence: synonymous variant.
Genome position (GRCh38, 1-based): chr7:5,977,743, T>G on the plus strand (A>C on the coding strand, the complement: PMS2 is on the minus strand). VCF-style: chr7-5977743-T-G. GRCh37 (hg19) VCF-style: chr7-6017374-T-G.
Other names: c.1885A>C, p.Arg629= (NM_001322003.2, NM_001322004.2, NM_001322005.2); c.2134A>C, p.Arg712= (NM_001322006.2); c.1972A>C, p.Arg658= (NM_001322007.2, NM_001322008.2); c.1918A>C, p.Arg640= (NM_001322009.2); c.1729A>C, p.Arg577= (NM_001322010.2); c.1357A>C, p.Arg453= (NM_001322011.2, NM_001322012.2); c.1717A>C, p.Arg573= (NM_001322013.2); c.2323A>C, p.Arg775= (NM_001322014.2); and 1 more.
Identifiers: ClinVar variation 821042 (VCV000821042.15), dbSNP rs1583281538, ClinGen allele CA453642486.

ClinVar aggregate classification (germline): Benign/Likely benign. Review status: criteria provided, multiple submitters, no conflicts (2 of 4 stars). 4 submissions from 4 submitters: Benign (1); Likely benign (3). Last evaluated 2025-02-03.

Conditions:
Hereditary nonpolyposis colorectal neoplasms. Identifiers: MedGen C0009405, MeSH D003123.
Hereditary cancer-predisposing syndrome. Also called: Neoplastic Syndromes, Hereditary; Tumor predisposition; Hereditary Cancer Syndrome; Hereditary neoplastic syndrome. Identifiers: Orphanet 140162, MedGen C0027672, MeSH D009386, MONDO:0015356.
Lynch syndrome 4 (LYNCH4). Also called: Colorectal cancer, hereditary nonpolyposis, type 4; Hereditary non-polyposis colorectal cancer, type 4. Identifiers: Orphanet 144, MedGen C1838333, MONDO:0013699, OMIM 614337. Disease mechanism: loss of function.

Submissions (4):

Myriad Genetics, Inc.
Classification: Benign for Lynch syndrome 4. Last evaluated: 2025-02-03. Review status: criteria provided, single submitter. Criteria: Myriad Autosomal Dominant, Autosomal Recessive and X-Linked Classification Criteria (2023). Collection method: clinical testing. Allele origin: unknown.
Comment: This variant is considered benign. This variant is a silent/synonymous amino acid change and it is not expected to impact splicing.

Labcorp Genetics (formerly Invitae), Labcorp
Classification: Likely benign for Hereditary nonpolyposis colorectal neoplasms. Last evaluated: 2024-08-10. Review status: criteria provided, single submitter. Criteria: Invitae Variant Classification Sherloc (09022015). Collection method: clinical testing. Allele origin: germline.

Color Diagnostics, LLC DBA Color Health
Classification: Likely benign for Hereditary cancer-predisposing syndrome. Last evaluated: 2022-10-17. Review status: criteria provided, single submitter. Criteria: ACMG Guidelines, 2015. Collection method: clinical testing. Allele origin: germline.

Ambry Genetics
Classification: Likely benign for Hereditary cancer-predisposing syndrome. Last evaluated: 2018-03-09. Review status: criteria provided, single submitter. Criteria: Ambry Variant Classification Scheme 2023. Collection method: clinical testing. Allele origin: germline.